The following is an entry in ClinVar:

ClinVar aggregate classification (germline): Uncertain significance (1 of 4 stars; one submission).

Conditions:
Inborn genetic diseases. Identifiers: MedGen C0950123, MeSH D030342.

Submission:

Ambry Genetics
Classification: Uncertain significance for Inborn genetic diseases. Last evaluated: 2026-06-10. Review status: criteria provided, single submitter. Criteria: Ambry Variant Classification Scheme 2023. Collection method: clinical testing. Allele origin: germline.
Comment: The p.P862S variant (also known as c.2584C>T), located in coding exon 27 of the FANCA gene, results from a C to T substitution at nucleotide position 2584. The proline at codon 862 is replaced by serine, an amino acid with similar properties. This amino acid position is conserved. In addition, this alteration is predicted to be tolerated by in silico analysis. Based on the available evidence, the clinical significance of this variant remains unclear.

NM_000135.4(FANCA):c.2584C>T (p.Pro862Ser)

Gene: FANCA (FA complementation group A; minus strand). Cytogenetic location: 16q24.3.
Variant type: single nucleotide variant.
Coding change: c.2584C>T on transcript NM_000135.4 (MANE Select); coding-DNA position 2584, C replaced by T.
Protein change: p.Pro862Ser; replaces proline 862 with serine.
Molecular consequence: missense variant.
Genome position (GRCh38, 1-based): chr16:89,767,158, G>A on the plus strand (C>T on the coding strand, the complement: FANCA is on the minus strand). VCF-style: chr16-89767158-G-A. GRCh37 (hg19) VCF-style: chr16-89833566-G-A.
Other names: c.2584C>T, p.Pro862Ser (NM_001286167.3); short protein forms P862S.
Identifiers: ClinVar variation 4870921 (VCV004870921.1).